The following is an entry in ClinVar:

ClinVar aggregate classification (germline): Conflicting classifications of pathogenicity. Review status: criteria provided, conflicting classifications (1 of 4 stars). 13 submissions from 8 submitters: Uncertain significance (12); Likely benign (1). Last evaluated 2026-04-10.

Conditions:
Stiff skin syndrome (SSKS). Identifiers: Orphanet 2833, MedGen C1861456, MONDO:0008492, OMIM 184900.
Geleophysic dysplasia 2 (GPHYSD2). Identifiers: Orphanet 2623, MedGen C3280054, MONDO:0013612, OMIM 614185.
Marfan syndrome (MFS). Also called: MARFAN SYNDROME, TYPE I; Marfan syndrome, classic; FBN1-Related Marfan Syndrome; Marfan syndrome type 1; Marfan's syndrome. Identifiers: Orphanet 284963, Orphanet 558, MedGen C0024796, MONDO:0007947, OMIM 154700.
MASS syndrome (OCTD). Also called: MASS PHENOTYPE; OVERLAP CONNECTIVE TISSUE DISEASE. Identifiers: MedGen C1858556, MONDO:0011431, OMIM 604308.
Weill-Marchesani syndrome 2, dominant. Also called: FBN1-Related Weill-Marchesani Syndrome; Weill-Marchesani Syndrome, Autosomal Dominant. Identifiers: Orphanet 2084, MedGen C1869115, MONDO:0012013, OMIM 608328.
Acromicric dysplasia (ACMICD). Also called: Acromicric skeletal dysplasia. Identifiers: Orphanet 969, MedGen C0265287, MONDO:0007055, OMIM 102370.
Ectopia lentis 1, isolated, autosomal dominant (ECTOL1). Identifiers: Orphanet 1885, MedGen C3541518, MONDO:0007514, OMIM 129600.
Progeroid and marfanoid aspect-lipodystrophy syndrome. Also called: MARFANOID-PROGEROID-LIPODYSTROPHY SYNDROME; MARFANOID-PROGEROID SYNDROME; MARFAN-PROGEROID-LIPODYSTROPHY SYNDROME; Marfan lipodystrophy syndrome. Identifiers: Orphanet 300382, MedGen C4310796, MONDO:0014831, OMIM 616914.
Familial thoracic aortic aneurysm and aortic dissection (TAAD). Also called: Thoracic aortic aneurysms and dissections. Identifiers: Orphanet 91387, MedGen C4707243, MONDO:0019625.
Weill-Marchesani syndrome. Also called: WM Syndrome; Mesodermal dysmorphodystrophy congenital. Identifiers: Orphanet 3449, MedGen C0265313, MONDO:0018096.

Allele frequency attached by ClinVar (database versions not stated): gnomAD exomes below 0.00001; TOPMed 0.00001; ESP Exome Variant Server 0.00008.

Submissions (13):

GeneDx
Classification: Uncertain significance. Last evaluated: 2026-04-10. Review status: criteria provided, single submitter. Criteria: GeneDx Variant Classification Process June 2021. Collection method: clinical testing. Allele origin: germline.
Comment: Does not affect a cysteine or calcium-binding residue within an EGF-like domain or a TGF-binding protein domain of the FBN1 gene; cysteine substitutions in the EGF-like domains represent the majority of pathogenic missense changes associated with FBN1-related disorders (PMID: 12938084); In silico analysis suggests that this missense variant does not alter protein structure/function; Not observed at significant frequency in large population cohorts (gnomAD); This variant is associated with the following publications: (PMID: 12938084, 29907982)

Labcorp Genetics (formerly Invitae), Labcorp
Classification: Likely benign for Marfan syndrome; Familial thoracic aortic aneurysm and aortic dissection. Last evaluated: 2026-01-28. Review status: criteria provided, single submitter. Criteria: Invitae Variant Classification Sherloc (09022015). Collection method: clinical testing. Allele origin: germline.

Ambry Genetics
Classification: Uncertain significance for Familial thoracic aortic aneurysm and aortic dissection. Last evaluated: 2025-01-15. Review status: criteria provided, single submitter. Criteria: Ambry Variant Classification Scheme 2023. Collection method: clinical testing. Allele origin: germline.
Comment: The p.R2355K variant (also known as c.7064G>A), located in coding exon 57 of the FBN1 gene, results from a G to A substitution at nucleotide position 7064. The arginine at codon 2355 is replaced by lysine, an amino acid with highly similar properties. This variant was reported in a hereditary thoracic aortic aneurysm and dissection (TAAD) cohort; however, clinical details were limited (Overwater E et al. Hum Mutat, 2018 09;39:1173-1192). This amino acid position is well conserved in available vertebrate species. In addition, the in silico prediction for this alteration is inconclusive. Since supporting evidence is limited at this time, the clinical significance of this alteration remains unclear.

All of Us Research Program, National Institutes of Health
Classification: Uncertain significance for Marfan syndrome. Last evaluated: 2024-05-30. Review status: criteria provided, single submitter. Criteria: ACMG Guidelines, 2015. Collection method: clinical testing. Allele origin: germline. Inheritance: Autosomal dominant inheritance. Observed: 7 variant alleles, 7 heterozygotes.
Comment: This missense variant replaces arginine with lysine at codon 2355 of the FBN1 protein. Computational prediction suggests that this variant may not impact protein structure and function (internally defined REVEL score threshold <= 0.5, PMID: 27666373). To our knowledge, functional studies have not been reported for this variant. This variant has not been reported in individuals affected with cardiovascular disorders in the literature. This variant has been identified in 1/250828 chromosomes in the general population by the Genome Aggregation Database (gnomAD). The available evidence is insufficient to determine the role of this variant in disease conclusively. Therefore, this variant is classified as a Variant of Uncertain Significance.

This study involves interpretation of variants in research participants for the purpose of population health screening. Participant phenotype was not available at the time of variant classification. Additional details can be found in publication PMID: 35346344, PMCID: PMC8962531

Color Diagnostics, LLC DBA Color Health
Classification: Uncertain significance for Familial thoracic aortic aneurysm and aortic dissection. Last evaluated: 2024-05-11. Review status: criteria provided, single submitter. Criteria: ACMG Guidelines, 2015. Collection method: clinical testing. Allele origin: germline.
Comment: This missense variant replaces arginine with lysine at codon 2355 of the FBN1 protein. Computational prediction tools indicate that this variant has a neutral impact on protein structure and function. To our knowledge, functional studies have not been reported for this variant. This variant has been reported in one individual affected with thoracic aortic disease (PMID: 29907982). This variant has been identified in 1/250828 chromosomes in the general population by the Genome Aggregation Database (gnomAD). The available evidence is insufficient to determine the role of this variant in disease conclusively. Therefore, this variant is classified as a Variant of Uncertain Significance.

Fulgent Genetics
Classification: Uncertain significance for Acromicric dysplasia; Ectopia lentis 1, isolated, autosomal dominant; Marfan syndrome; Stiff skin syndrome; MASS syndrome; Weill-Marchesani syndrome 2, dominant; Geleophysic dysplasia 2; Progeroid and marfanoid aspect-lipodystrophy syndrome. Last evaluated: 2022-02-01. Review status: criteria provided, single submitter. Criteria: ACMG Guidelines, 2015. Collection method: clinical testing. Allele origin: unknown.

Women's Health and Genetics/Laboratory Corporation of America, LabCorp
Classification: Uncertain significance. Last evaluated: 2021-02-01. Review status: criteria provided, single submitter. Criteria: LabCorp Variant Classification Summary - May 2015. Collection method: clinical testing. Allele origin: germline.
Comment: Variant summary: FBN1 c.7064G>A (p.Arg2355Lys) results in a conservative amino acid change located in the TB domain (IPR017878) of the encoded protein sequence. Four of five in-silico tools predict a benign effect of the variant on protein function. The variant allele was found at a frequency of 4e-06 in 250828 control chromosomes (gnomAD). The available data on variant occurrences in the general population are insufficient to allow any conclusion about variant significance. c.7064G>A has been reported in the literature in at least an individual suspected of heritable thoracic aortic disorder (Overwater_2018). This report however, does not provide unequivocal conclusions about association of the variant with Marfan Syndrome. To our knowledge, no experimental evidence demonstrating an impact on protein function has been reported. Two ClinVar submitters (evaluation after 2014) cite the variant as uncertain significance. Based on the evidence outlined above, the variant was classified as uncertain significance.

Illumina Laboratory Services, Illumina
Classification: Uncertain significance for Marfan syndrome. Last evaluated: 2017-04-27. Review status: criteria provided, single submitter. Criteria: ICSL Variant Classification Criteria 13 December 2019. Collection method: clinical testing. Allele origin: germline.

Illumina Laboratory Services, Illumina
Classification: Uncertain significance for Stiff skin syndrome. Last evaluated: 2017-04-27. Review status: criteria provided, single submitter. Criteria: ICSL Variant Classification Criteria 13 December 2019. Collection method: clinical testing. Allele origin: germline.

Illumina Laboratory Services, Illumina
Classification: Uncertain significance for Ectopia lentis 1, isolated, autosomal dominant. Last evaluated: 2017-04-27. Review status: criteria provided, single submitter. Criteria: ICSL Variant Classification Criteria 13 December 2019. Collection method: clinical testing. Allele origin: germline.

Illumina Laboratory Services, Illumina
Classification: Uncertain significance for Familial thoracic aortic aneurysm and aortic dissection. Last evaluated: 2017-04-27. Review status: criteria provided, single submitter. Criteria: ICSL Variant Classification Criteria 13 December 2019. Collection method: clinical testing. Allele origin: germline.

Illumina Laboratory Services, Illumina
Classification: Uncertain significance for Acromicric dysplasia. Last evaluated: 2017-04-27. Review status: criteria provided, single submitter. Criteria: ICSL Variant Classification Criteria 13 December 2019. Collection method: clinical testing. Allele origin: germline.

Illumina Laboratory Services, Illumina
Classification: Uncertain significance for Weill-Marchesani syndrome. Last evaluated: 2017-04-27. Review status: criteria provided, single submitter. Criteria: ICSL Variant Classification Criteria 13 December 2019. Collection method: clinical testing. Allele origin: germline.

Literature cited by the submitters: PubMed 29907982 (cited by 3 submitters).

NM_000138.5(FBN1):c.7064G>A (p.Arg2355Lys)

Gene: FBN1 (fibrillin 1; minus strand). Cytogenetic location: 15q21.1.
Variant type: single nucleotide variant.
Coding change: c.7064G>A on transcript NM_000138.5 (MANE Select); coding-DNA position 7064, G replaced by A.
Protein change: p.Arg2355Lys; replaces arginine 2355 with lysine.
Molecular consequence: missense variant.
Genome position (GRCh38, 1-based): chr15:48,427,707, C>T on the plus strand (G>A on the coding strand, the complement: FBN1 is on the minus strand). VCF-style: chr15-48427707-C-T. GRCh37 (hg19) VCF-style: chr15-48719904-C-T.
Other names: short protein forms R2355K.
Identifiers: ClinVar variation 886456 (VCV000886456.25), dbSNP rs376372763, ClinGen allele CA269521508.
Genomic context (GRCh38, chr15:48,427,707, plus strand): 5'-CAGTGGGGACCCCAGCCTCTCCCTCCGTCACAGCAGCATTCCGATTTGGTGACGGGGTTC[C>T]TGTTGCTGGAGCCGATCTGACACATGTTTTGTAGCACCTCTGTGAAGCAGTACCCTTCCC-3'
Protein context (NP_000129.3, residues 2345-2365): QNMCQIGSSN[Arg2355Lys]NPVTKSECCC